The following is an entry in ClinVar:

ClinVar aggregate classification (germline): Conflicting classifications of pathogenicity. Review status: criteria provided, conflicting classifications (1 of 4 stars). 4 submissions from 4 submitters: Uncertain significance (3); Likely benign (1). Last evaluated 2025-10-01.

Conditions:
Hereditary nonpolyposis colorectal neoplasms. Identifiers: MedGen C0009405, MeSH D003123.
Lynch syndrome. Identifiers: Orphanet 144, MedGen C4552100, MONDO:0005835. Disease mechanism: loss of function.
Hereditary cancer-predisposing syndrome. Also called: Hereditary neoplastic syndrome; Neoplastic Syndromes, Hereditary; Tumor predisposition; Hereditary Cancer Syndrome. Identifiers: Orphanet 140162, MedGen C0027672, MeSH D009386, MONDO:0015356.

Allele frequency attached by ClinVar (database versions not stated): gnomAD exomes below 0.00001 and 0.00001; ExAC 0.00001; gnomAD 0.00001; TOPMed 0.00001.
gnomAD v4.1: 4 of 1,613,180 alleles (0.00025%); highest among the groups gnomAD compares: Admixed American, 0.0033%; no homozygotes.

Submissions (4):

Ambry Genetics
Classification: Uncertain significance for Hereditary cancer-predisposing syndrome. Last evaluated: 2025-10-01. Review status: criteria provided, single submitter. Criteria: Ambry Variant Classification Scheme 2023. Collection method: clinical testing. Allele origin: germline.
Comment: The p.G1148A variant (also known as c.3443G>C), located in coding exon 6 of the MSH6 gene, results from a G to C substitution at nucleotide position 3443. The glycine at codon 1148 is replaced by alanine, an amino acid with similar properties. This amino acid position is highly conserved in available vertebrate species. In addition, this alteration is predicted to be deleterious by in silico analysis. Since supporting evidence is limited at this time, the clinical significance of this alteration remains unclear.

Labcorp Genetics (formerly Invitae), Labcorp
Classification: Likely benign for Hereditary nonpolyposis colorectal neoplasms. Last evaluated: 2025-02-18. Review status: criteria provided, single submitter. Criteria: Invitae Variant Classification Sherloc (09022015). Collection method: clinical testing. Allele origin: germline.

All of Us Research Program, National Institutes of Health
Classification: Uncertain significance for Lynch syndrome. Last evaluated: 2024-03-05. Review status: criteria provided, single submitter. Criteria: ACMG Guidelines, 2015. Collection method: clinical testing. Allele origin: germline. Inheritance: Autosomal dominant inheritance. Observed: 1 variant allele, 1 heterozygote.
Comment: This study involves interpretation of variants in research participants for the purpose of population health screening. Participant phenotype was not available at the time of variant classification. Additional details can be found in publication PMID: 35346344, PMCID: PMC8962531

Sema4
Classification: Uncertain significance for Hereditary cancer-predisposing syndrome. Last evaluated: 2021-10-18. Review status: criteria provided, single submitter. Criteria: Sema4 Curation Guidelines. Collection method: curation. Allele origin: germline.
Comment: The MSH6 c.3443G>C (p.G1148A) variant has not been reported in the literature to our knowledge. It was observed in 1/34572 chromosomes of the Latino subpopulation in the large and broad cohorts of the Genome Aggregation Database (PMID: 32461654). The variant has been reported in ClinVar (Variation ID 565450). In silico tools suggest the impact of the variant on protein function is deleterious, though these predictions have not been confirmed by functional studies. The evidence is insufficient to meet ACMG/AMP criteria for classifying the variant as benign or pathogenic. Thus, the clinical significance of this variant is currently uncertain.

NM_000179.3(MSH6):c.3443G>C (p.Gly1148Ala)

Gene: MSH6 (mutS homolog 6; plus strand). Cytogenetic location: 2p16.3.
Variant type: single nucleotide variant.
Coding change: c.3443G>C on transcript NM_000179.3 (MANE Select); coding-DNA position 3443, G replaced by C.
Protein change: p.Gly1148Ala; replaces glycine 1148 with alanine.
Molecular consequence: missense variant.
Genome position (GRCh38, 1-based): chr2:47,804,914, G>C. VCF-style: chr2-47804914-G-C. GRCh37 (hg19) VCF-style: chr2-48032053-G-C.
Other names: c.3053G>C, p.Gly1018Ala (NM_001281492.2); c.2537G>C, p.Gly846Ala (NM_001281493.2, NM_001281494.2); short protein forms G1148A, G1018A, G846A.
Identifiers: ClinVar variation 565450 (VCV000565450.13), dbSNP rs763058648, ClinGen allele CA070952.
Genomic context (GRCh38, chr2:47,804,914, plus strand): 5'-AGTTTATGAAACTGTTACTACCAGTCATAAAAGACCTTTTCCTCCCTCATTCACAGGCTG[G>C]CTTATTAGCTGTAATGGCCCAGATGGGTTGTTACGTCCCTGCTGAAGTGTGCAGGCTCAC-3'
Protein context (NP_000170.1, residues 1138-1158): GGKSTLMRQA[Gly1148Ala]LLAVMAQMGC